The following is an entry in ClinVar:

NM_003072.5(SMARCA4):c.4635+11C>T

Gene: SMARCA4 (SWI/SNF related BAF chromatin remodeling complex subunit ATPase 4; plus strand). Cytogenetic location: 19p13.2.
Variant type: single nucleotide variant.
Coding change: c.4635+11C>T on transcript NM_003072.5 (MANE Select); 11 bases into the intron after coding-DNA position 4635, C replaced by T.
Molecular consequence: intron variant.
Genome position (GRCh38, 1-based): chr19:11,058,900, C>T. VCF-style: chr19-11058900-C-T. GRCh37 (hg19) VCF-style: chr19-11169576-C-T.
Other names: c.4635+11C>T (NM_001128844.3); c.4731+11C>T (NM_001128849.3, NM_001387283.1); c.4536+11C>T (NM_001128847.4, NM_001374457.1); c.4545+11C>T (NM_001128845.2); c.4542+11C>T (NM_001128846.2); c.4533+11C>T (NM_001128848.2).
Identifiers: ClinVar variation 507243 (VCV000507243.8), dbSNP rs369785711, ClinGen allele CA9204809.

ClinVar aggregate classification (germline): Likely benign. Review status: criteria provided, multiple submitters, no conflicts (2 of 4 stars). 2 submissions from 2 submitters: Likely benign (2). Last evaluated 2026-02-03.

Conditions:
Rhabdoid tumor predisposition syndrome 2 (RTPS2). Identifiers: Orphanet 231108, Orphanet 69077, MedGen C2750074, MONDO:0013224, OMIM 613325.

Allele frequency attached by ClinVar (database versions not stated): gnomAD exomes 0.00002; ExAC 0.00007; gnomAD 0.00023 and 0.00025; TOPMed 0.00023; ESP Exome Variant Server 0.00031.
gnomAD v4.1: 58 of 1,609,254 alleles (0.0036%); highest among the groups gnomAD compares: African/African-American, 0.071%; no homozygotes.

Submissions (2):

Labcorp Genetics (formerly Invitae), Labcorp
Classification: Likely benign for Rhabdoid tumor predisposition syndrome 2. Last evaluated: 2026-02-03. Review status: criteria provided, single submitter. Criteria: Invitae Variant Classification Sherloc (09022015). Collection method: clinical testing. Allele origin: germline.

GeneDx
Classification: Likely benign. Last evaluated: 2017-02-06. Review status: criteria provided, single submitter. Criteria: GeneDx Variant Classification (06012015). Collection method: clinical testing. Allele origin: germline. Affected: yes.
Comment: This variant is considered likely benign or benign based on one or more of the following criteria: it is a conservative change, it occurs at a poorly conserved position in the protein, it is predicted to be benign by multiple in silico algorithms, and/or has population frequency not consistent with disease.